The following is an entry in ClinVar:

ClinVar aggregate classification (germline): Uncertain significance (1 of 4 stars; one submission).

Submission:

Labcorp Genetics (formerly Invitae), Labcorp
Classification: Uncertain significance. Last evaluated: 2022-02-01. Review status: criteria provided, single submitter. Criteria: Invitae Variant Classification Sherloc (09022015). Collection method: clinical testing. Allele origin: germline.
Comment: In summary, the available evidence is currently insufficient to determine the role of this variant in disease. Therefore, it has been classified as a Variant of Uncertain Significance. Algorithms developed to predict the effect of missense changes on protein structure and function output the following: SIFT: "Deleterious"; PolyPhen-2: "Benign"; Align-GVGD: "Class C0". The alanine amino acid residue is found in multiple mammalian species, which suggests that this missense change does not adversely affect protein function. This variant has not been reported in the literature in individuals affected with IFT27-related conditions. This variant is not present in population databases (gnomAD no frequency). This sequence change replaces threonine, which is neutral and polar, with alanine, which is neutral and non-polar, at codon 39 of the IFT27 protein (p.Thr39Ala).

NM_001177701.3(IFT27):c.118A>G (p.Thr40Ala)

Gene: IFT27 (intraflagellar transport 27; minus strand). Cytogenetic location: 22q12.3.
Variant type: single nucleotide variant.
Coding change: c.118A>G on transcript NM_001177701.3 (MANE Select); coding-DNA position 118, A replaced by G.
Protein change: p.Thr40Ala; replaces threonine 40 with alanine.
Molecular consequence: missense variant.
Genome position (GRCh38, 1-based): chr22:36,767,362, T>C on the plus strand (A>G on the coding strand, the complement: IFT27 is on the minus strand). VCF-style: chr22-36767362-T-C. GRCh37 (hg19) VCF-style: chr22-37163406-T-C.
Other names: c.118A>G, p.Thr40Ala (NM_001363003.2); c.115A>G, p.Thr39Ala (NM_006860.5); short protein forms T39A, T40A.
Identifiers: ClinVar variation 2072022 (VCV002072022.4), dbSNP rs2517829485, ClinGen allele CA411385953.